The following is an entry in ClinVar:

NM_001351132.2(PEX5):c.658C>T (p.Arg220Trp)

Gene: PEX5 (peroxisomal biogenesis factor 5; plus strand). Cytogenetic location: 12p13.31.
Variant type: single nucleotide variant.
Coding change: c.658C>T on transcript NM_001351132.2 (MANE Select); coding-DNA position 658, C replaced by T.
Protein change: p.Arg220Trp; replaces arginine 220 with tryptophan.
Molecular consequence: missense variant. On other transcripts: intron variant (15).
Genome position (GRCh38, 1-based): chr12:7,202,256, C>T. VCF-style: chr12-7202256-C-T. GRCh37 (hg19) VCF-style: chr12-7354852-C-T.
Other names: p.Arg235Trp; c.703C>T (NM_001131023.1); c.658C>T, p.Arg220Trp (NM_000319.5, NM_001131025.2, NM_001131026.2 and 6 more transcripts); c.703C>T, p.Arg235Trp (NM_001131023.2); c.643-356C>T (NM_001351124.3, NM_001351126.2, NM_001374646.1 and 10 more transcripts); c.688-356C>T (NM_001351135.3, NM_001351138.2); short protein forms R235W, R220W.
Identifiers: ClinVar variation 727789 (VCV000727789.13), dbSNP rs200020561, ClinGen allele CA6426228.

ClinVar aggregate classification (germline): Benign/Likely benign. Review status: criteria provided, multiple submitters, no conflicts (2 of 4 stars). 3 submissions from 3 submitters: Benign (2); Likely benign (1). Last evaluated 2026-01-21.

Conditions:
Peroxisome biogenesis disorder 2B (PBD2B). Identifiers: Orphanet 44, MedGen C3550234, MONDO:0008736, OMIM 202370.

Allele frequency attached by ClinVar (database versions not stated): TOPMed 0.00020; ESP Exome Variant Server 0.00023; 1000 Genomes Project 30x 0.00047; 1000 Genomes Project 0.00060; ExAC 0.00094; gnomAD 0.00099 and 0.00103; gnomAD exomes 0.00118.
gnomAD v4.1: 1,063 of 1,614,022 alleles (0.066%); highest among the groups gnomAD compares: Non-Finnish European, 0.027%; 3 homozygotes.

Submissions (3):

Labcorp Genetics (formerly Invitae), Labcorp
Classification: Benign for Peroxisome biogenesis disorder 2B. Last evaluated: 2026-01-21. Review status: criteria provided, single submitter. Criteria: Invitae Variant Classification Sherloc (09022015). Collection method: clinical testing. Allele origin: germline.

Mayo Clinic Laboratories, Mayo Clinic
Classification: Benign. Last evaluated: 2025-07-11. Review status: criteria provided, single submitter. Criteria: ACMG Guidelines, 2015. Collection method: clinical testing. Allele origin: germline. Observed: 1 variant allele.
Comment: BA1

Blueprint Genetics
Classification: Likely benign. Last evaluated: 2024-09-18. Review status: criteria provided, single submitter. Criteria: ACMG Guidelines, 2015. Collection method: clinical testing. Allele origin: germline.